The following is an entry in ClinVar:

ClinVar aggregate classification (germline): Uncertain significance (1 of 4 stars; one submission).

Conditions:
Hereditary cancer-predisposing syndrome. Also called: Neoplastic Syndromes, Hereditary; Tumor predisposition; Hereditary neoplastic syndrome; Hereditary Cancer Syndrome. Identifiers: Orphanet 140162, MedGen C0027672, MeSH D009386, MONDO:0015356.

Submission:

Ambry Genetics
Classification: Uncertain significance for Hereditary cancer-predisposing syndrome. Last evaluated: 2026-07-07. Review status: criteria provided, single submitter. Criteria: Ambry Variant Classification Scheme 2023. Collection method: clinical testing. Allele origin: germline.
Comment: The p.K3R variant (also known as c.8A>G), located in coding exon 1 of the TSC2 gene, results from an A to G substitution at nucleotide position 8. The lysine at codon 3 is replaced by arginine, an amino acid with highly similar properties. This amino acid position is conserved. In addition, the in silico prediction for this alteration is inconclusive. Based on the available evidence, the clinical significance of this variant remains unclear.

NM_000548.5(TSC2):c.8A>G (p.Lys3Arg)

Gene: TSC2 (TSC complex subunit 2; plus strand). Cytogenetic location: 16p13.3.
Variant type: single nucleotide variant.
Coding change: c.8A>G on transcript NM_000548.5 (MANE Select); coding-DNA position 8, A replaced by G.
Protein change: p.Lys3Arg; replaces lysine 3 with arginine.
Molecular consequence: missense variant. On other transcripts: 5 prime UTR variant (19), non-coding transcript variant (5), intron variant (6).
Genome position (GRCh38, 1-based): chr16:2,048,623, A>G. VCF-style: chr16-2048623-A-G. GRCh37 (hg19) VCF-style: chr16-2098624-A-G.
Other names: c.8A>G, p.Lys3Arg (NM_001077183.3, NM_001114382.3, NM_001318827.2 and 13 more transcripts); c.-219A>G (NM_001318831.2, NM_001406682.1, NM_001406684.1 and 2 more transcripts); c.41A>G, p.Lys14Arg (NM_001318832.2); c.-809A>G (NM_001406680.1, NM_001406683.1, NM_001406687.1); c.-438A>G (NM_001406681.1); c.-1424A>G (NM_001406689.1, NM_001406690.1, NM_001406691.1 and 2 more transcripts); c.-1730A>G (NM_001406693.1); c.-1305A>G (NM_001406694.1, NM_001406695.1); and 4 more; short protein forms K14R, K3R.
Identifiers: ClinVar variation 5031347 (VCV005031347.1).